The following is an entry in ClinVar:

NM_001370466.1(NOD2):c.2752C>T (p.Gln918Ter)

Gene: NOD2 (nucleotide binding oligomerization domain containing 2; plus strand). Cytogenetic location: 16q12.1.
Variant type: single nucleotide variant.
Coding change: c.2752C>T on transcript NM_001370466.1 (MANE Select); coding-DNA position 2752, C replaced by T.
Protein change: p.Gln918Ter; replaces glutamine 918 with a stop codon.
Molecular consequence: nonsense. On other transcripts: non-coding transcript variant (1).
Genome position (GRCh38, 1-based): chr16:50,723,335, C>T. VCF-style: chr16-50723335-C-T. GRCh37 (hg19) VCF-style: chr16-50757246-C-T.
Other names: c.2752C>T, p.Gln918Ter (NM_001293557.2); c.2833C>T, p.Gln945Ter (NM_022162.3); short protein forms Q945*, Q918*.
Identifiers: ClinVar variation 859255 (VCV000859255.8), dbSNP rs1394622344, ClinGen allele CA395875690.

ClinVar aggregate classification (germline): Uncertain significance (1 of 4 stars; one submission).

Conditions:
Regional enteritis. Also called: Enteritis, Granulomatous. Identifiers: MedGen C0678202, MeSH D003424.
Blau syndrome (BLAUS). Also called: GRANULOMATOSIS, FAMILIAL JUVENILE SYSTEMIC; GRANULOMATOSIS, FAMILIAL, BLAU TYPE; GRANULOMATOUS INFLAMMATORY ARTHRITIS, DERMATITIS, AND UVEITIS, FAMILIAL; JABS SYNDROME; ARTHROCUTANEOUVEAL GRANULOMATOSIS. Identifiers: Orphanet 90340, MedGen C5201146, MONDO:0008523, OMIM 186580.

Allele frequency attached by ClinVar (database versions not stated): gnomAD exomes below 0.00001 and 0.00001.
gnomAD v4.1: 13 of 1,613,846 alleles (0.00081%); highest among the groups gnomAD compares: South Asian, 0.0011%; no homozygotes.

Submission:

Labcorp Genetics (formerly Invitae), Labcorp
Classification: Uncertain significance for Regional enteritis; Blau syndrome. Last evaluated: 2025-09-14. Review status: criteria provided, single submitter. Criteria: Invitae Variant Classification Sherloc (09022015). Collection method: clinical testing. Allele origin: germline.
Comment: This sequence change creates a premature translational stop signal (p.Gln945*) in the NOD2 gene. It is expected to result in an absent or disrupted protein product. However, the current clinical and genetic evidence is not sufficient to establish whether loss-of-function variants in NOD2 cause disease. This variant is present in population databases (no rsID available, gnomAD 0.003%). This variant has not been reported in the literature in individuals affected with NOD2-related conditions. ClinVar contains an entry for this variant (Variation ID: 859255). In summary, the available evidence is currently insufficient to determine the role of this variant in disease. Therefore, it has been classified as a Variant of Uncertain Significance.